The following is an entry in ClinVar:

NM_001037333.3(CYFIP2):c.3701C>T (p.Thr1234Ile)

Genes: CYFIP2 (cytoplasmic FMR1 interacting protein 2; plus strand), NIPAL4-DT (NIPAL4 divergent transcript; minus strand). Cytogenetic location: 5q33.3.
Variant type: single nucleotide variant.
Coding change: c.3701C>T on transcript NM_001037333.3 (MANE Select); coding-DNA position 3701, C replaced by T.
Protein change: p.Thr1234Ile; replaces threonine 1234 with isoleucine.
Molecular consequence: missense variant.
Genome position (GRCh38, 1-based): chr5:157,392,939, C>T. VCF-style: chr5-157392939-C-T. GRCh37 (hg19) VCF-style: chr5-156819947-C-T.
Other names: c.3776C>T, p.Thr1259Ile (NM_001291722.2); c.3701C>T, p.Thr1234Ile (NM_014376.4); c.3623C>T, p.Thr1208Ile (NM_001291721.2); short protein forms T1208I, T1234I, T1259I.
Identifiers: ClinVar variation 3767764 (VCV003767764.2).

ClinVar aggregate classification (germline): Uncertain significance (1 of 4 stars; one submission).

gnomAD v4.1: 1 of 1,614,020 alleles (0.000062%); highest among the groups gnomAD compares: Non-Finnish European, 0.000085%; no homozygotes.

Submission:

GeneDx
Classification: Uncertain significance. Last evaluated: 2026-10-13. Review status: criteria provided, single submitter. Criteria: GeneDx Variant Classification Process June 2021. Collection method: clinical testing. Allele origin: germline.
Comment: Not observed at significant frequency in large population cohorts (gnomAD); In silico analysis suggests that this missense variant does not alter protein structure/function; Has not been previously published as pathogenic or benign to our knowledge